The following is an entry in ClinVar:

ClinVar aggregate classification (germline): Benign/Likely benign. Review status: criteria provided, multiple submitters, no conflicts (2 of 4 stars). 5 submissions from 5 submitters: Benign (4); Likely benign (1). Last evaluated 2026-02-02.

Allele frequency attached by ClinVar (database versions not stated): gnomAD 0.00420 and 0.00545; TOPMed 0.00472; ExAC 0.00482; gnomAD exomes 0.00837; 1000 Genomes Project 30x 0.01796; 1000 Genomes Project 0.01877.
gnomAD v4.1: 6,923 of 1,549,584 alleles (0.45%); highest among the groups gnomAD compares: East Asian, 9.1%; 200 homozygotes.

Submissions (5):

Labcorp Genetics (formerly Invitae), Labcorp
Classification: Benign. Last evaluated: 2026-02-02. Review status: criteria provided, single submitter. Criteria: Invitae Variant Classification Sherloc (09022015). Collection method: clinical testing. Allele origin: germline.

Blueprint Genetics
Classification: Likely benign. Last evaluated: 2024-11-26. Review status: criteria provided, single submitter. Criteria: ACMG Guidelines, 2015. Collection method: clinical testing. Allele origin: germline.

Mayo Clinic Laboratories, Mayo Clinic
Classification: Benign. Last evaluated: 2021-04-30. Review status: criteria provided, single submitter. Criteria: ACMG Guidelines, 2015. Collection method: clinical testing. Allele origin: germline. Observed: 2 variant alleles.

GeneDx
Classification: Benign. Last evaluated: 2017-08-22. Review status: criteria provided, single submitter. Criteria: GeneDx Variant Classification (06012015). Collection method: clinical testing. Allele origin: germline. Affected: yes.
Comment: This variant is considered likely benign or benign based on one or more of the following criteria: it is a conservative change, it occurs at a poorly conserved position in the protein, it is predicted to be benign by multiple in silico algorithms, and/or has population frequency not consistent with disease.

Laboratory for Molecular Medicine, Mass General Brigham Personalized Medicine
Classification: Benign. Last evaluated: 2014-11-24. Review status: criteria provided, single submitter. Criteria: LMM Criteria. Collection method: clinical testing. Allele origin: germline. Observed: 11 variant alleles.
Comment: Arg1237His in exon 29 of OTOG: This variant is not expected to have clinical sig nificance because it has been identified in 10.1% (18/178) of Japanese chromosom es from a broad population by the 1000 Genomes Project (. gov/projects/SNP; dbSNP rs116947228).

NM_001292063.2(OTOG):c.3674G>A (p.Arg1225His)

Gene: OTOG (otogelin; plus strand). Cytogenetic location: 11p15.1.
Variant type: single nucleotide variant.
Coding change: c.3674G>A on transcript NM_001292063.2 (MANE Select); coding-DNA position 3674, G replaced by A.
Protein change: p.Arg1225His; replaces arginine 1225 with histidine.
Molecular consequence: missense variant.
Genome position (GRCh38, 1-based): chr11:17,596,999, G>A. VCF-style: chr11-17596999-G-A. GRCh37 (hg19) VCF-style: chr11-17618546-G-A.
Other names: c.3710G>A, p.Arg1237His (NM_001277269.2); short protein forms R1237H, R1225H.
Identifiers: ClinVar variation 226890 (VCV000226890.17), dbSNP rs116947228, ClinGen allele CA5905760.